The following is an entry in ClinVar:

NM_000548.5(TSC2):c.512G>T (p.Gly171Val)

Gene: TSC2 (TSC complex subunit 2; plus strand). Cytogenetic location: 16p13.3.
Variant type: single nucleotide variant.
Coding change: c.512G>T on transcript NM_000548.5 (MANE Select); coding-DNA position 512, G replaced by T.
Protein change: p.Gly171Val; replaces glycine 171 with valine.
Molecular consequence: missense variant. On other transcripts: intron variant (1).
Genome position (GRCh38, 1-based): chr16:2,055,432, G>T. VCF-style: chr16-2055432-G-T. GRCh37 (hg19) VCF-style: chr16-2105433-G-T.
Other names: c.512G>T, p.Gly171Val (NM_001077183.3, NM_001114382.3, NM_001363528.2 and 8 more transcripts); c.401G>T, p.Gly134Val (NM_001318827.2, NM_001406670.1, NM_001406678.1); c.365G>T, p.Gly122Val (NM_001318829.2, NM_001406675.1, NM_001406676.1 and 1 more transcripts); c.545G>T, p.Gly182Val (NM_001318832.2); c.602G>T, p.Gly201Val (NM_001406667.1, NM_001406668.1); c.455G>T, p.Gly152Val (NM_001406677.1); c.-305G>T (NM_001406680.1, NM_001406683.1, NM_001406687.1); c.50G>T, p.Gly17Val (NM_001406681.1); and 6 more; short protein forms G134V, G17V, G182V, G171V, G201V, G122V, G152V.
Identifiers: ClinVar variation 2095346 (VCV002095346.4), dbSNP rs983899092, ClinGen allele CA394309246.

ClinVar aggregate classification (germline): Uncertain significance (1 of 4 stars; one submission).

Conditions:
Tuberous sclerosis 2 (TSC2). Identifiers: Orphanet 805, MedGen C1860707, MONDO:0013199, OMIM 613254.

Submission:

Labcorp Genetics (formerly Invitae), Labcorp
Classification: Uncertain significance for Tuberous sclerosis 2. Last evaluated: 2022-02-09. Review status: criteria provided, single submitter. Criteria: Invitae Variant Classification Sherloc (09022015). Collection method: clinical testing. Allele origin: germline.
Comment: In summary, the available evidence is currently insufficient to determine the role of this variant in disease. Therefore, it has been classified as a Variant of Uncertain Significance. Advanced modeling of protein sequence and biophysical properties (such as structural, functional, and spatial information, amino acid conservation, physicochemical variation, residue mobility, and thermodynamic stability) performed at Invitae indicates that this missense variant is not expected to disrupt TSC2 protein function. This variant has not been reported in the literature in individuals affected with TSC2-related conditions. This variant is not present in population databases (gnomAD no frequency). This sequence change replaces glycine, which is neutral and non-polar, with valine, which is neutral and non-polar, at codon 171 of the TSC2 protein (p.Gly171Val).